The following is an entry in ClinVar:

ClinVar aggregate classification (germline): Uncertain significance. Review status: criteria provided, multiple submitters, no conflicts (2 of 4 stars). 2 submissions from 2 submitters: Uncertain significance (2). Last evaluated 2025-06-24.

Allele frequency attached by ClinVar (database versions not stated): ExAC 0.00021; ESP Exome Variant Server 0.00041.
gnomAD v4.1: 139 of 1,613,900 alleles (0.0086%); highest among the groups gnomAD compares: Non-Finnish European, 0.0017%; no homozygotes.

Submissions (2):

Mayo Clinic Laboratories, Mayo Clinic
Classification: Uncertain significance. Last evaluated: 2025-06-24. Review status: criteria provided, single submitter. Criteria: ACMG Guidelines, 2015. Collection method: clinical testing. Allele origin: germline. Observed: 1 variant allele.
Comment: PP3

Ambry Genetics
Classification: Uncertain significance. Last evaluated: 2021-10-18. Review status: criteria provided, single submitter. Criteria: Ambry Variant Classification Scheme 2023. Collection method: clinical testing. Allele origin: germline.

NM_007098.4(CLTCL1):c.2843T>G (p.Val948Gly)

Gene: CLTCL1 (clathrin heavy chain like 1; minus strand). Cytogenetic location: 22q11.21.
Variant type: single nucleotide variant.
Coding change: c.2843T>G on transcript NM_007098.4 (MANE Select); coding-DNA position 2843, T replaced by G.
Protein change: p.Val948Gly; replaces valine 948 with glycine.
Molecular consequence: missense variant.
Genome position (GRCh38, 1-based): chr22:19,219,961, A>C on the plus strand (T>G on the coding strand, the complement: CLTCL1 is on the minus strand). VCF-style: chr22-19219961-A-C. GRCh37 (hg19) VCF-style: chr22-19207470-A-C.
Other names: p.Val948Gly; c.2843T>G, p.Val948Gly (NM_001835.4); short protein forms V948G.
Identifiers: ClinVar variation 3146106 (VCV003146106.2), dbSNP rs200181618, ClinGen allele CA10098274.